The following is an entry in ClinVar:

ClinVar aggregate classification (germline): Uncertain significance. Review status: criteria provided, multiple submitters, no conflicts (2 of 4 stars). 2 submissions from 2 submitters: Uncertain significance (2). Last evaluated 2025-09-24.

Conditions:
Cardiovascular phenotype. Identifiers: MedGen CN230736.
Hereditary cancer-predisposing syndrome. Also called: Neoplastic Syndromes, Hereditary; Hereditary neoplastic syndrome; Tumor predisposition; Hereditary Cancer Syndrome. Identifiers: Orphanet 140162, MedGen C0027672, MeSH D009386, MONDO:0015356.

Allele frequency attached by ClinVar (database versions not stated): gnomAD exomes below 0.00001; TOPMed 0.00001.
gnomAD v4.1: 4 of 1,613,948 alleles (0.00025%); highest among the groups gnomAD compares: African/African-American, 0.0013%; no homozygotes.

Submissions (2):

Labcorp Genetics (formerly Invitae), Labcorp
Classification: Uncertain significance. Last evaluated: 2025-09-24. Review status: criteria provided, single submitter. Criteria: Invitae Variant Classification Sherloc (09022015). Collection method: clinical testing. Allele origin: germline.
Comment: This sequence change creates a premature translational stop signal (p.Gln814*) in the LZTR1 gene. While this is not anticipated to result in nonsense mediated decay, it is expected to disrupt the last 27 amino acid(s) of the LZTR1 protein. This variant is not present in population databases (gnomAD no frequency). This variant has not been reported in the literature in individuals affected with LZTR1-related conditions. ClinVar contains an entry for this variant (Variation ID: 2897763). Experimental studies and prediction algorithms are not available or were not evaluated, and the functional significance of this variant is currently unknown. In summary, the available evidence is currently insufficient to determine the role of this variant in disease. Therefore, it has been classified as a Variant of Uncertain Significance.

Ambry Genetics
Classification: Uncertain significance for Cardiovascular phenotype; Hereditary cancer-predisposing syndrome. Last evaluated: 2025-09-07. Review status: criteria provided, single submitter. Criteria: Ambry Variant Classification Scheme 2023. Collection method: clinical testing. Allele origin: germline.
Comment: The p.Q814* variant (also known as c.2440C>T), located in coding exon 21 of the LZTR1 gene, results from a C to T substitution at nucleotide position 2440. This changes the amino acid from a glutamine to a stop codon within coding exon 21. This alteration occurs at the 3' terminus of the gene, is not expected to trigger nonsense-mediated mRNAdecay, and impacts the last 3% of the protein. The exact functional effect of this alteration is unknown. Based on the available evidence, the clinical significance of this variant remains unclear.

NM_006767.4(LZTR1):c.2440C>T (p.Gln814Ter)

Gene: LZTR1 (leucine zipper like post translational regulator 1; plus strand). Cytogenetic location: 22q11.21.
Variant type: single nucleotide variant.
Coding change: c.2440C>T on transcript NM_006767.4 (MANE Select); coding-DNA position 2440, C replaced by T.
Protein change: p.Gln814Ter; replaces glutamine 814 with a stop codon.
Molecular consequence: nonsense.
Genome position (GRCh38, 1-based): chr22:20,997,265, C>T. VCF-style: chr22-20997265-C-T. GRCh37 (hg19) VCF-style: chr22-21351554-C-T.
Other names: c.2440C>T (NM_006767.3); short protein forms Q814*.
Identifiers: ClinVar variation 2897763 (VCV002897763.4), dbSNP rs1392689787, ClinGen allele CA410781615.